The following is an entry in ClinVar:

ClinVar aggregate classification (germline): Likely benign. Review status: criteria provided, multiple submitters, no conflicts (2 of 4 stars). 3 submissions from 3 submitters: Likely benign (2). 1 of the submissions does not count toward it. Last evaluated 2026-01-19.

Conditions:
COQ4-related disorder. Also called: COQ4-related condition.
Neonatal encephalomyopathy-cardiomyopathy-respiratory distress syndrome. Also called: Coenzyme Q10 deficiency, primary, 7. Identifiers: Orphanet 457185, MedGen C5568562, MONDO:0014562, OMIM 616276.

Allele frequency attached by ClinVar (database versions not stated): gnomAD 0.00005 and 0.00006; ExAC 0.00008; gnomAD exomes 0.00009; TOPMed 0.00011; ESP Exome Variant Server 0.00015.
gnomAD v4.1: 140 of 1,574,574 alleles (0.0089%); highest among the groups gnomAD compares: Non-Finnish European, 0.0098%; no homozygotes.

Submissions (3):

Labcorp Genetics (formerly Invitae), Labcorp
Classification: Likely benign for Neonatal encephalomyopathy-cardiomyopathy-respiratory distress syndrome. Last evaluated: 2026-01-19. Review status: criteria provided, single submitter. Criteria: Invitae Variant Classification Sherloc (09022015). Collection method: clinical testing. Allele origin: germline.

Mayo Clinic Laboratories, Mayo Clinic
Classification: Likely benign. Last evaluated: 2025-03-31. Review status: criteria provided, single submitter. Criteria: ACMG Guidelines, 2015. Collection method: clinical testing. Allele origin: germline. Observed: 1 variant allele.
Comment: BP4, BP7

PreventionGenetics, part of Exact Sciences
Classification: Likely benign for COQ4-related condition. Last evaluated: 2020-07-20. Review status: no assertion criteria provided. Collection method: clinical testing. Allele origin: germline. Not counted in ClinVar's aggregate classification.
Comment: This variant is classified as likely benign based on ACMG/AMP sequence variant interpretation guidelines (Richards et al. 2015 PMID: 25741868, with internal and published modifications).

NM_016035.5(COQ4):c.660A>T (p.Pro220=)

Gene: COQ4 (coenzyme Q4; plus strand). Cytogenetic location: 9q34.11.
Variant type: single nucleotide variant.
Coding change: c.660A>T on transcript NM_016035.5 (MANE Select); coding-DNA position 660, A replaced by T.
Protein change: p.Pro220=; no amino-acid change (proline 220 retained).
Molecular consequence: synonymous variant. On other transcripts: 3 prime UTR variant (1).
Genome position (GRCh38, 1-based): chr9:128,333,507, A>T. VCF-style: chr9-128333507-A-T. GRCh37 (hg19) VCF-style: chr9-131095786-A-T.
Other names: p.Pro220=; c.660A>T (NM_016035.4); c.*36A>T (NM_001305942.2).
Identifiers: ClinVar variation 1566576 (VCV001566576.11), dbSNP rs145991065, ClinGen allele CA5260667.